The following is an entry in ClinVar:

ClinVar aggregate classification (germline): Benign (1 of 4 stars; one submission).

Conditions:
Familial adenomatous polyposis 1 (FAP1). Also called: POLYPOSIS, ADENOMATOUS INTESTINAL; FAMILIAL ADENOMATOUS POLYPOSIS 1, ATTENUATED. Identifiers: MedGen C2713442, MONDO:0021056, OMIM 175100. Disease mechanism: loss of function.

Submission:

Myriad Genetics, Inc.
Classification: Benign for Familial adenomatous polyposis 1. Last evaluated: 2024-03-21. Review status: criteria provided, single submitter. Criteria: Myriad Autosomal Dominant, Autosomal Recessive and X-Linked Classification Criteria (2023). Collection method: clinical testing. Allele origin: unknown.
Comment: This variant is considered benign. This variant is a silent/synonymous amino acid change and it is not expected to impact splicing.

NM_000038.6(APC):c.3573G>A (p.Gln1191=)

Gene: APC (APC regulator of Wnt signaling pathway; plus strand). Cytogenetic location: 5q22.2.
Variant type: single nucleotide variant.
Coding change: c.3573G>A on transcript NM_000038.6 (MANE Select); coding-DNA position 3573, G replaced by A.
Protein change: p.Gln1191=; no amino-acid change (glutamine 1191 retained).
Molecular consequence: synonymous variant. On other transcripts: non-coding transcript variant (2).
Genome position (GRCh38, 1-based): chr5:112,839,167, G>A. VCF-style: chr5-112839167-G-A. GRCh37 (hg19) VCF-style: chr5-112174864-G-A.
Other names: c.3573G>A, p.Gln1191= (NM_001127510.3, NM_001354895.2, NM_001407450.1); c.3519G>A, p.Gln1173= (NM_001127511.3); c.3627G>A, p.Gln1209= (NM_001354896.2, NM_001407447.1, NM_001407448.1 and 1 more transcripts); c.3603G>A, p.Gln1201= (NM_001354897.2); c.3498G>A, p.Gln1166= (NM_001354898.2); c.3489G>A, p.Gln1163= (NM_001354899.2); c.3450G>A, p.Gln1150= (NM_001354900.2); c.3396G>A, p.Gln1132= (NM_001354901.2, NM_001407453.1); and 11 more.
Identifiers: ClinVar variation 3148001 (VCV003148001.1), dbSNP rs2149894670, ClinGen allele CA445963609.